The following is an entry in ClinVar:

NM_001903.5(CTNNA1):c.1130A>T (p.Asp377Val)

Gene: CTNNA1 (catenin alpha 1; plus strand). Cytogenetic location: 5q31.2.
Variant type: single nucleotide variant.
Coding change: c.1130A>T on transcript NM_001903.5 (MANE Select); coding-DNA position 1130, A replaced by T.
Protein change: p.Asp377Val; replaces aspartic acid 377 with valine.
Molecular consequence: missense variant. On other transcripts: 5 prime UTR variant (5), intron variant (2).
Genome position (GRCh38, 1-based): chr5:138,886,279, A>T. VCF-style: chr5-138886279-A-T. GRCh37 (hg19) VCF-style: chr5-138221968-A-T.
Other names: c.1130A>T, p.Asp377Val (NM_001290307.3, NM_001323982.2, NM_001323983.1 and 3 more transcripts); c.821A>T, p.Asp274Val (NM_001290309.3); c.761A>T, p.Asp254Val (NM_001290310.3); c.20A>T, p.Asp7Val (NM_001290312.1, NM_001323987.1, NM_001323988.1 and 18 more transcripts); c.-378A>T (NM_001324006.1, NM_001324007.1, NM_001324008.1 and 1 more transcripts); c.-253A>T (NM_001324013.1); c.-58+10682A>T (NM_001324012.1); c.-61+10682A>T (NM_001324010.1); short protein forms D274V, D377V, D7V, D254V.
Identifiers: ClinVar variation 2448327 (VCV002448327.4), dbSNP rs2532981997, ClinGen allele CA361132623.

ClinVar aggregate classification (germline): Uncertain significance. Review status: criteria provided, multiple submitters, no conflicts (2 of 4 stars). 2 submissions from 2 submitters: Uncertain significance (2). Last evaluated 2026-02-03.

Conditions:
Hereditary cancer-predisposing syndrome. Also called: Neoplastic Syndromes, Hereditary; Hereditary Cancer Syndrome; Tumor predisposition; Hereditary neoplastic syndrome. Identifiers: Orphanet 140162, MedGen C0027672, MeSH D009386, MONDO:0015356.

Submissions (2):

Labcorp Genetics (formerly Invitae), Labcorp
Classification: Uncertain significance. Last evaluated: 2026-02-03. Review status: criteria provided, single submitter. Criteria: Invitae Variant Classification Sherloc (09022015). Collection method: clinical testing. Allele origin: germline.
Comment: This sequence change replaces aspartic acid, which is acidic and polar, with valine, which is neutral and non-polar, at codon 377 of the CTNNA1 protein (p.Asp377Val). This variant is not present in population databases (gnomAD no frequency). This variant has not been reported in the literature in individuals affected with CTNNA1-related conditions. ClinVar contains an entry for this variant (Variation ID: 2448327). Invitae Evidence Modeling of protein sequence and biophysical properties (such as structural, functional, and spatial information, amino acid conservation, physicochemical variation, residue mobility, and thermodynamic stability) indicates that this missense variant is not expected to disrupt CTNNA1 protein function with a negative predictive value of 80%. In summary, the available evidence is currently insufficient to determine the role of this variant in disease. Therefore, it has been classified as a Variant of Uncertain Significance.

Ambry Genetics
Classification: Uncertain significance for Hereditary cancer-predisposing syndrome. Last evaluated: 2022-11-20. Review status: criteria provided, single submitter. Criteria: Ambry Variant Classification Scheme 2023. Collection method: clinical testing. Allele origin: germline.
Comment: The p.D377V variant (also known as c.1130A>T), located in coding exon 7 of the CTNNA1 gene, results from an A to T substitution at nucleotide position 1130. The aspartic acid at codon 377 is replaced by valine, an amino acid with highly dissimilar properties. This amino acid position is conserved. In addition, this alteration is predicted to be deleterious by in silico analysis. Since supporting evidence is limited at this time, the clinical significance of this alteration remains unclear.